The following is an entry in ClinVar:

NM_014251.3(SLC25A13):c.132C>G (p.Tyr44Ter)

Gene: SLC25A13 (solute carrier family 25 member 13; minus strand). Cytogenetic location: 7q21.3.
Variant type: single nucleotide variant.
Coding change: c.132C>G on transcript NM_014251.3 (MANE Select); coding-DNA position 132, C replaced by G.
Protein change: p.Tyr44Ter; replaces tyrosine 44 with a stop codon.
Molecular consequence: nonsense. On other transcripts: non-coding transcript variant (1).
Genome position (GRCh38, 1-based): chr7:96,277,276, G>C on the plus strand (C>G on the coding strand, the complement: SLC25A13 is on the minus strand). VCF-style: chr7-96277276-G-C. GRCh37 (hg19) VCF-style: chr7-95906588-G-C.
Other names: c.132C>G, p.Tyr44Ter (NM_001160210.2); short protein forms Y44*.
Identifiers: ClinVar variation 1366582 (VCV001366582.6), dbSNP rs2116939192, ClinGen allele CA368406613.

ClinVar aggregate classification (germline): Pathogenic (1 of 4 stars; one submission).

Conditions:
Citrin deficiency. Identifiers: Orphanet 247582, MedGen C1997910, MONDO:0016602.

Submission:

Labcorp Genetics (formerly Invitae), Labcorp
Classification: Pathogenic for Citrin deficiency. Last evaluated: 2021-08-26. Review status: criteria provided, single submitter. Criteria: Invitae Variant Classification Sherloc (09022015). Collection method: clinical testing. Allele origin: germline.
Comment: This sequence change creates a premature translational stop signal (p.Tyr44*) in the SLC25A13 gene. It is expected to result in an absent or disrupted protein product. Loss-of-function variants in SLC25A13 are known to be pathogenic (PMID: 10369257, 14680984, 27405544). This variant is not present in population databases (ExAC no frequency). This variant has not been reported in the literature in individuals affected with SLC25A13-related conditions. Algorithms developed to predict the effect of sequence changes on RNA splicing suggest that this variant may create or strengthen a splice site. For these reasons, this variant has been classified as Pathogenic.

Literature cited by the submitters: PubMed 10369257; PubMed 14680984; PubMed 27405544.